The following is an entry in ClinVar:

ClinVar aggregate classification (germline): Pathogenic. Review status: criteria provided, single submitter (1 of 4 stars). 2 submissions from 2 submitters: Pathogenic (1). 1 of the submissions does not count toward it. Last evaluated 2025-08-25.

Conditions:
Amyotrophic lateral sclerosis type 18. Identifiers: Orphanet 803, MedGen C3553719, MONDO:0013891, OMIM 614808.

Submissions (2):

Labcorp Genetics (formerly Invitae), Labcorp
Classification: Pathogenic. Last evaluated: 2025-08-25. Review status: criteria provided, single submitter. Criteria: Invitae Variant Classification Sherloc (09022015). Collection method: clinical testing. Allele origin: germline.
Comment: This sequence change replaces cysteine, which is neutral and slightly polar, with glycine, which is neutral and non-polar, at codon 71 of the PFN1 protein (p.Cys71Gly). This variant is not present in population databases (gnomAD no frequency). This missense change has been observed in individuals with amyotrophic lateral sclerosis (PMID: 22801503). It has also been observed to segregate with disease in related individuals. ClinVar contains an entry for this variant (Variation ID: 37034). An algorithm developed to predict the effect of missense changes on protein structure and function (PolyPhen-2) suggests that this variant is likely to be disruptive. Experimental studies have shown that this missense change affects PFN1 function (PMID: 22801503, 24920614, 26226631, 26908597, 27681617, 28379367). For these reasons, this variant has been classified as Pathogenic.

OMIM
Classification: Pathogenic for AMYOTROPHIC LATERAL SCLEROSIS 18. Last evaluated: 2012-08-23. Review status: no assertion criteria provided. Collection method: literature only. Allele origin: germline. Not counted in ClinVar's aggregate classification.

Literature cited by the submitters: PubMed 22801503 (cited by Labcorp Genetics (formerly Invitae), Labcorp and OMIM); PubMed 24920614 (cited by Labcorp Genetics (formerly Invitae), Labcorp); PubMed 26226631 (cited by Labcorp Genetics (formerly Invitae), Labcorp); PubMed 26908597 (cited by Labcorp Genetics (formerly Invitae), Labcorp); PubMed 27681617 (cited by Labcorp Genetics (formerly Invitae), Labcorp); PubMed 28379367 (cited by Labcorp Genetics (formerly Invitae), Labcorp).

NM_005022.4(PFN1):c.211T>G (p.Cys71Gly)

Gene: PFN1 (profilin 1; minus strand). Cytogenetic location: 17p13.2.
Variant type: single nucleotide variant.
Coding change: c.211T>G on transcript NM_005022.4 (MANE Select); coding-DNA position 211, T replaced by G.
Protein change: p.Cys71Gly; replaces cysteine 71 with glycine.
Molecular consequence: missense variant.
Genome position (GRCh38, 1-based): chr17:4,946,742, A>C on the plus strand (T>G on the coding strand, the complement: PFN1 is on the minus strand). VCF-style: chr17-4946742-A-C. GRCh37 (hg19) VCF-style: chr17-4850037-A-C.
Other names: c.211T>G, p.Cys71Gly (NM_001375991.1); short protein forms C71G.
Identifiers: ClinVar variation 37034 (VCV000037034.3), dbSNP rs387907264, ClinGen allele CA260575.
Genomic context (GRCh38, chr17:4,946,742, plus strand): 5'-TGGTACGAAGATCCATGCTAAATTCCCCATCCTGCAGCAGTGAGTCCCGGATCACCGAAC[A>C]TTTCTGGCCCCCAAGTGTCAGCCCATTCACGTAAAAACTTGACCGGTCTTTGCCAACCAG-3'
Protein context (NP_005013.1, residues 61-81): VNGLTLGGQK[Cys71Gly]SVIRDSLLQD